The following is an entry in ClinVar:

NM_013447.4(ADGRE2):c.36C>G (p.Phe12Leu)

Gene: ADGRE2 (adhesion G protein-coupled receptor E2; minus strand). Cytogenetic location: 19p13.12.
Variant type: single nucleotide variant.
Coding change: c.36C>G on transcript NM_013447.4 (MANE Select); coding-DNA position 36, C replaced by G.
Protein change: p.Phe12Leu; replaces phenylalanine 12 with leucine.
Molecular consequence: missense variant.
Genome position (GRCh38, 1-based): chr19:14,774,302, G>C on the plus strand (C>G on the coding strand, the complement: ADGRE2 is on the minus strand). VCF-style: chr19-14774302-G-C. GRCh37 (hg19) VCF-style: chr19-14885114-G-C.
Other names: c.36C>G, p.Phe12Leu (NM_001271052.1, NM_152916.2, NM_152917.2); short protein forms F12L.
Identifiers: ClinVar variation 2791876 (VCV002791876.3), dbSNP rs955908891, ClinGen allele CA305726947.
Genomic context (GRCh38, chr19:14,774,302, plus strand): 5'-CCCAGCAGACTCACCCCTGGAGTCCTGGGTTTCAGCTCCCGGCAGAGTCAGCCAGACACA[G>C]AATGCTGCAACAGAGAAAGGAAAGGGGGTCAGAGGGGATCCCAGGGTGGGAAAGGAGGCG-3'
Protein context (NP_038475.2, residues 2-22): GGRVFLVFLA[Phe12Leu]CVWLTLPGAE

ClinVar aggregate classification (germline): Uncertain significance (1 of 4 stars; one submission).

Allele frequency attached by ClinVar (database versions not stated): gnomAD 0.00001; TOPMed 0.00002.

Submission:

Labcorp Genetics (formerly Invitae), Labcorp
Classification: Uncertain significance. Last evaluated: 2023-09-11. Review status: criteria provided, single submitter. Criteria: Invitae Variant Classification Sherloc (09022015). Collection method: clinical testing. Allele origin: germline.
Comment: This sequence change replaces phenylalanine, which is neutral and non-polar, with leucine, which is neutral and non-polar, at codon 12 of the ADGRE2 protein (p.Phe12Leu). This variant is not present in population databases (gnomAD no frequency). This variant has not been reported in the literature in individuals affected with ADGRE2-related conditions. Algorithms developed to predict the effect of missense changes on protein structure and function output the following: SIFT: "Not Available"; PolyPhen-2: "Benign"; Align-GVGD: "Not Available". The leucine amino acid residue is found in multiple mammalian species, which suggests that this missense change does not adversely affect protein function. In summary, the available evidence is currently insufficient to determine the role of this variant in disease. Therefore, it has been classified as a Variant of Uncertain Significance.